The following is an entry in ClinVar:

ClinVar aggregate classification (germline): Pathogenic (1 of 4 stars; one submission).

Conditions:
Ellis-van Creveld syndrome (EVC). Also called: MESOECTODERMAL DYSPLASIA; Chondroectodermal dysplasia. Identifiers: Orphanet 289, MedGen C0013903, MONDO:0009162, OMIM 225500.

Submission:

Myriad Genetics, Inc.
Classification: Pathogenic for Ellis-van Creveld syndrome. Last evaluated: 2025-07-14. Review status: criteria provided, single submitter. Criteria: Myriad Autosomal Dominant, Autosomal Recessive and X-Linked Classification Criteria (2023). Collection method: clinical testing. Allele origin: unknown.
Comment: NM_147127.4(EVC2):c.1141G>T(E381*) is expected to be pathogenic in the context of EVC2-related Ellis-van Creveld syndrome. This variant is predicted to lead to an abnormal or absent protein product due to the creation of a premature termination codon in EVC2, a gene where loss-of-function variants are known to be pathogenic. Please note: this variant was assessed in the context of healthy population screening.

NM_147127.5(EVC2):c.1141G>T (p.Glu381Ter)

Gene: EVC2 (EvC ciliary complex subunit 2; minus strand). Cytogenetic location: 4p16.2.
Variant type: single nucleotide variant.
Coding change: c.1141G>T on transcript NM_147127.5 (MANE Select); coding-DNA position 1141, G replaced by T.
Protein change: p.Glu381Ter; replaces glutamic acid 381 with a stop codon.
Molecular consequence: nonsense.
Genome position (GRCh38, 1-based): chr4:5,663,111, C>A on the plus strand (G>T on the coding strand, the complement: EVC2 is on the minus strand). VCF-style: chr4-5663111-C-A. GRCh37 (hg19) VCF-style: chr4-5664838-C-A.
Other names: c.901G>T, p.Glu301Ter (NM_001166136.2); short protein forms E301*, E381*.
Identifiers: ClinVar variation 5014723 (VCV005014723.1).